The following is an entry in ClinVar:

NM_001933.5(DLST):c.-7C>A

Gene: DLST (dihydrolipoamide S-succinyltransferase; plus strand). Cytogenetic location: 14q24.3.
Variant type: single nucleotide variant.
Coding change: c.-7C>A on transcript NM_001933.5 (MANE Select); 7 bases upstream of the start codon, C replaced by A.
Molecular consequence: 5 prime UTR variant. On other transcripts: non-coding transcript variant (2).
Genome position (GRCh38, 1-based): chr14:74,881,947, C>A. VCF-style: chr14-74881947-C-A. GRCh37 (hg19) VCF-style: chr14-75348650-C-A.
Other names: c.-7C>A (NM_001244883.2).
Identifiers: ClinVar variation 3036089 (VCV003036089.2), dbSNP rs201221488, ClinGen allele CA7273243.

ClinVar aggregate classification (germline): Likely benign (0 of 4 stars; one submission).

Conditions:
DLST-related disorder. Also called: DLST-related condition.

Allele frequency attached by ClinVar (database versions not stated): 1000 Genomes Project 30x 0.00125; 1000 Genomes Project 0.00160.
gnomAD v4.1: 985 of 1,549,900 alleles (0.064%); highest among the groups gnomAD compares: East Asian, 2.4%; 17 homozygotes.

Submission:

PreventionGenetics, part of Exact Sciences
Classification: Likely benign for DLST-related condition. Last evaluated: 2022-03-31. Review status: no assertion criteria provided. Collection method: clinical testing. Allele origin: germline.
Comment: This variant is classified as likely benign based on ACMG/AMP sequence variant interpretation guidelines (Richards et al. 2015 PMID: 25741868, with internal and published modifications).